The following is an entry in ClinVar:

NM_002047.4(GARS1):c.883T>A (p.Tyr295Asn)

Gene: GARS1 (glycyl-tRNA synthetase 1; plus strand). Cytogenetic location: 7p14.3.
Variant type: single nucleotide variant.
Coding change: c.883T>A on transcript NM_002047.4 (MANE Select); coding-DNA position 883, T replaced by A.
Protein change: p.Tyr295Asn; replaces tyrosine 295 with asparagine.
Molecular consequence: missense variant.
Genome position (GRCh38, 1-based): chr7:30,612,097, T>A. VCF-style: chr7-30612097-T-A. GRCh37 (hg19) VCF-style: chr7-30651713-T-A.
Other names: c.721T>A, p.Tyr241Asn (NM_001316772.1); short protein forms Y241N, Y295N.
Identifiers: ClinVar variation 1056698 (VCV001056698.9), dbSNP rs1782769087, ClinGen allele CA367124804.

ClinVar aggregate classification (germline): Uncertain significance (1 of 4 stars; one submission).

Conditions:
Charcot-Marie-Tooth disease type 2. Also called: Charcot-Marie-Tooth type 2. Identifiers: Orphanet 64746, MedGen C0270914, MONDO:0018993.

Allele frequency attached by ClinVar (database versions not stated): gnomAD exomes below 0.00001.
gnomAD v4.1: 1 of 1,613,248 alleles (0.000062%); highest among the groups gnomAD compares: South Asian, 0.0011%; no homozygotes.

Submission:

Labcorp Genetics (formerly Invitae), Labcorp
Classification: Uncertain significance for Charcot-Marie-Tooth disease type 2. Last evaluated: 2020-07-02. Review status: criteria provided, single submitter. Criteria: Invitae Variant Classification Sherloc (09022015). Collection method: clinical testing. Allele origin: germline.
Comment: This variant is not present in population databases (ExAC no frequency). This variant has not been reported in the literature in individuals with GARS-related conditions. Algorithms developed to predict the effect of missense changes on protein structure and function (SIFT, PolyPhen-2, Align-GVGD) all suggest that this variant is likely to be disruptive, but these predictions have not been confirmed by published functional studies and their clinical significance is uncertain. In summary, the available evidence is currently insufficient to determine the role of this variant in disease. Therefore, it has been classified as a Variant of Uncertain Significance. This sequence change replaces tyrosine with asparagine at codon 295 of the GARS protein (p.Tyr295Asn). The tyrosine residue is highly conserved and there is a large physicochemical difference between tyrosine and asparagine.